The following is an entry in ClinVar:

ClinVar aggregate classification (germline): Uncertain significance. Review status: criteria provided, multiple submitters, no conflicts (2 of 4 stars). 2 submissions from 2 submitters: Uncertain significance (2). Last evaluated 2026-01-14.

Conditions:
Hereditary cancer-predisposing syndrome. Also called: Neoplastic Syndromes, Hereditary; Tumor predisposition; Hereditary neoplastic syndrome; Hereditary Cancer Syndrome. Identifiers: Orphanet 140162, MedGen C0027672, MeSH D009386, MONDO:0015356.
Cardiovascular phenotype. Identifiers: MedGen CN230736.

Submissions (2):

Labcorp Genetics (formerly Invitae), Labcorp
Classification: Uncertain significance. Last evaluated: 2026-01-14. Review status: criteria provided, single submitter. Criteria: Invitae Variant Classification Sherloc (09022015). Collection method: clinical testing. Allele origin: germline.
Comment: This sequence change replaces phenylalanine, which is neutral and non-polar, with valine, which is neutral and non-polar, at codon 800 of the LZTR1 protein (p.Phe800Val). This variant is not present in population databases (gnomAD no frequency). This variant has not been reported in the literature in individuals affected with LZTR1-related conditions. ClinVar contains an entry for this variant (Variation ID: 3238240). Invitae Evidence Modeling of protein sequence and biophysical properties (such as structural, functional, and spatial information, amino acid conservation, physicochemical variation, residue mobility, and thermodynamic stability) indicates that this missense variant is not expected to disrupt LZTR1 protein function with a negative predictive value of 80%. In summary, the available evidence is currently insufficient to determine the role of this variant in disease. Therefore, it has been classified as a Variant of Uncertain Significance.

Ambry Genetics
Classification: Uncertain significance for Cardiovascular phenotype; Hereditary cancer-predisposing syndrome. Last evaluated: 2023-04-19. Review status: criteria provided, single submitter. Criteria: Ambry Variant Classification Scheme 2023. Collection method: clinical testing. Allele origin: germline.
Comment: The p.F800V variant (also known as c.2398T>G), located in coding exon 20 of the LZTR1 gene, results from a T to G substitution at nucleotide position 2398. The phenylalanine at codon 800 is replaced by valine, an amino acid with highly similar properties. This amino acid position is conserved. In addition, this alteration is predicted to be deleterious by in silico analysis. Since supporting evidence is limited at this time, the clinical significance of this alteration remains unclear.

NM_006767.4(LZTR1):c.2398T>G (p.Phe800Val)

Gene: LZTR1 (leucine zipper like post translational regulator 1; plus strand). Cytogenetic location: 22q11.21.
Variant type: single nucleotide variant.
Coding change: c.2398T>G on transcript NM_006767.4 (MANE Select); coding-DNA position 2398, T replaced by G.
Protein change: p.Phe800Val; replaces phenylalanine 800 with valine.
Molecular consequence: missense variant.
Genome position (GRCh38, 1-based): chr22:20,996,958, T>G. VCF-style: chr22-20996958-T-G. GRCh37 (hg19) VCF-style: chr22-21351247-T-G.
Other names: short protein forms F800V.
Identifiers: ClinVar variation 3238240 (VCV003238240.2), dbSNP rs2518626160.